The following is an entry in ClinVar:

NM_000330.4(RS1):c.326+1G>A

Genes: CDKL5 (cyclin dependent kinase like 5; plus strand), RS1 (retinoschisin 1; minus strand). Cytogenetic location: Xp22.13.
Variant type: single nucleotide variant.
Coding change: c.326+1G>A on transcript NM_000330.4 (MANE Select); the canonical splice donor site of the intron after coding-DNA position 326, G replaced by A.
Molecular consequence: splice donor variant. On other transcripts: intron variant (2).
Genome position (GRCh38, 1-based): chrX:18,647,190, C>T on the plus strand (G>A on the coding strand, the complement: RS1 is on the minus strand). VCF-style: chrX-18647190-C-T. GRCh37 (hg19) VCF-style: chrX-18665310-C-T.
Other names: c.2797+1100C>T (NM_003159.3, NM_001037343.2).
Identifiers: ClinVar variation 98936 (VCV000098936.4), dbSNP rs281865346, ClinGen allele CA226683.

ClinVar aggregate classification (germline): Pathogenic. Review status: reviewed by expert panel (3 of 4 stars). 2 submissions from 2 submitters: Pathogenic (1). 1 of the submissions does not count toward it. Last evaluated 2025-05-19.

Conditions:
Juvenile retinoschisis (RS1). Also called: X-Linked Juvenile Retinoschisis; X-linked retinoschisis. Identifiers: Orphanet 792, MedGen C3714753, MONDO:0010725, OMIM 312700.

Submissions (2):

ClinGen X-linked Inherited Retinal Disease Variant Curation Expert Panel, ClinGen
Classification: Pathogenic for Juvenile retinoschisis. Last evaluated: 2025-05-19. Review status: reviewed by expert panel. Criteria: ClinGen X LinkedIRD ACMG Specifications RS1 V1.0.0. Collection method: curation. Allele origin: germline. Inheritance: X-linked inheritance.
Comment: The NM_000330.4(RS1):c.326+1G>A variant is a canonical splice site variant in intron 4, located 1 nucleotide after exon 4. This variant occurs at a canonical splice site in intron 4 and is predicted to disrupt splicing and induce skipping of exon 5, which is expected to disrupt a critical functional domain in RS1 (PVS1). This variant is absent from hemizygous individuals in gnomAD v4.1.0 (PM2_Supporting). The variant has been reported to segregate with retinal dystrophy through 1 meiosis in a family with two affected brothers (PP1; PMID: 15937075). This variant has been reported in at least 2 apparently unrelated probands diagnosed with X-linked retinoschisis (PMID: 9618178, 15937075, 29099798, 30025115, 34822951, PS4_supporting). In summary, this variant is classified as pathogenic for X-linked retinoschisis based on the ClinGen X-linked Inherited Retinal Disease Expert Panel Specifications to the ACMG/AMP Variant Interpretation Guidelines for RS1 Version 1.0.0: PVS1, PM2_supporting, PS4_supporting, and PP1. (date of approval 01/24/2025).

Retina International
No classification provided. Review status: no classification provided. Collection method: not provided. Allele origin: unknown. Not counted in ClinVar's aggregate classification.